The following is an entry in ClinVar:

ClinVar aggregate classification (germline): Uncertain significance (1 of 4 stars; one submission).

Conditions:
Primary dilated cardiomyopathy (DCM). Also called: Dilated Cardiomyopathy. Identifiers: Orphanet 217604, MedGen C0007193, MeSH D002311, MONDO:0005021, HP:0001644. Inheritance: Various modes of inheritance.

Submission:

Broad Center for Mendelian Genomics, Broad Institute of MIT and Harvard
Classification: Uncertain significance for Primary dilated cardiomyopathy. Last evaluated: 2024-11-26. Review status: criteria provided, single submitter. Criteria: ACMG Guidelines, 2015. Collection method: curation. Allele origin: germline. Inheritance: Autosomal dominant inheritance. Study: GREGoR Consortium.
Comment: The heterozygous p.Asp353TyrfsTer41 variant in C10orf71 was identified by our study in 5 family members with dilated cardiomyopathy. While this gene is still lacking sufficient evidence to establish a gene-disease relationship, we believe this is a possible novel gene candidate for dilated cardiomyopathy. Given the limited information about this gene-disease relationship, the significance of the p.Asp353TyrfsTer41 variant is uncertain. If you have any additional information about functional evidence or other individuals with this phenotype that also have variants in C10orf71 we encourage you to reach out to us.

NM_001135196.2(C10orf71):c.1057_1072del (p.Asp353fs)

Gene: C10orf71 (chromosome 10 open reading frame 71; plus strand). Cytogenetic location: 10q11.23.
Variant type: Deletion.
Coding change: c.1057_1072del on transcript NM_001135196.2 (MANE Select); coding-DNA positions 1057 to 1072, 16 bases deleted (GATCCAGGAGCCCAGG).
Protein change: p.Asp353fs; shifts the reading frame from aspartic acid 353.
Molecular consequence: frameshift variant.
Genome position (GRCh38, 1-based): chr10:49,323,602-49,323,617, GATCCAGGAGCCCAGG deleted; deleting any 16 consecutive bases within chr10:49,323,598-49,323,617 gives the same sequence; the c. name uses the placement nearest the transcript's 3' end. VCF-style (leftmost placement, unchanged base first): chr10-49323597-GCAGGGATCCAGGAGCC-G. GRCh37 (hg19) VCF-style: chr10-50531642-GCAGGGATCCAGGAGCC-G.
Other names: NM_001135196.2:c.1057_1072del; short protein forms D353fs.
Identifiers: ClinVar variation 3383316 (VCV003383316.1).